The following is an entry in ClinVar:

NM_000030.3(AGXT):c.1107C>T (p.Thr369=)

Gene: AGXT (alanine--glyoxylate aminotransferase; plus strand). Cytogenetic location: 2q37.3.
Variant type: single nucleotide variant.
Coding change: c.1107C>T on transcript NM_000030.3 (MANE Select); coding-DNA position 1107, C replaced by T.
Protein change: p.Thr369=; no amino-acid change (threonine 369 retained).
Molecular consequence: synonymous variant.
Genome position (GRCh38, 1-based): chr2:240,878,749, C>T. VCF-style: chr2-240878749-C-T. GRCh37 (hg19) VCF-style: chr2-241818166-C-T.
Other names: c.1107C>T (NM_000030.2).
Identifiers: ClinVar variation 1140029 (VCV001140029.10), dbSNP rs745588709, ClinGen allele CA2209419.

ClinVar aggregate classification (germline): Benign/Likely benign. Review status: criteria provided, multiple submitters, no conflicts (2 of 4 stars). 2 submissions from 2 submitters: Benign (1); Likely benign (1). Last evaluated 2026-03-27.

Conditions:
AGXT-related disorder. Also called: AGXT-related condition.

Allele frequency attached by ClinVar (database versions not stated): gnomAD 0.00001; gnomAD exomes 0.00001 and 0.00005; TOPMed 0.00002; ExAC 0.00022.
gnomAD v4.1: 11 of 1,583,664 alleles (0.00069%); highest among the groups gnomAD compares: East Asian, 0.023%; no homozygotes.

Submissions (2):

PreventionGenetics, part of Exact Sciences
Classification: Benign for AGXT-related condition. Last evaluated: 2026-03-27. Review status: criteria provided, single submitter. Criteria: ACMG Guidelines, 2015. Collection method: clinical testing. Allele origin: germline.
Comment: This variant is classified as benign based on ACMG/AMP sequence variant interpretation guidelines (Richards et al. 2015 PMID: 25741868, with internal and published modifications).

Labcorp Genetics (formerly Invitae), Labcorp
Classification: Likely benign. Last evaluated: 2024-02-10. Review status: criteria provided, single submitter. Criteria: Invitae Variant Classification Sherloc (09022015). Collection method: clinical testing. Allele origin: germline.